The following is an entry in ClinVar:

NM_001211.6(BUB1B):c.1768G>T (p.Asp590Tyr)

Gene: BUB1B (BUB1 mitotic checkpoint serine/threonine kinase B; plus strand). Cytogenetic location: 15q15.1.
Variant type: single nucleotide variant.
Coding change: c.1768G>T on transcript NM_001211.6 (MANE Select); coding-DNA position 1768, G replaced by T.
Protein change: p.Asp590Tyr; replaces aspartic acid 590 with tyrosine.
Molecular consequence: missense variant.
Genome position (GRCh38, 1-based): chr15:40,206,217, G>T. VCF-style: chr15-40206217-G-T. GRCh37 (hg19) VCF-style: chr15-40498418-G-T.
Other names: short protein forms D590Y.
Identifiers: ClinVar variation 1779724 (VCV001779724.2), dbSNP rs1305914904, ClinGen allele CA391692285.

ClinVar aggregate classification (germline): Uncertain significance (1 of 4 stars; one submission).

Conditions:
Inborn genetic diseases. Identifiers: MedGen C0950123, MeSH D030342.

Allele frequency attached by ClinVar (database versions not stated): gnomAD exomes 0.00001.
gnomAD v4.1: 9 of 1,614,178 alleles (0.00056%); highest among the groups gnomAD compares: Non-Finnish European, 0.00068%; no homozygotes.

Submission:

Ambry Genetics
Classification: Uncertain significance for Inborn genetic diseases. Last evaluated: 2024-02-26. Review status: criteria provided, single submitter. Criteria: Ambry Variant Classification Scheme 2023. Collection method: clinical testing. Allele origin: germline.
Comment: The p.D590Y variant (also known as c.1768G>T), located in coding exon 15 of the BUB1B gene, results from a G to T substitution at nucleotide position 1768. The aspartic acid at codon 590 is replaced by tyrosine, an amino acid with highly dissimilar properties. This amino acid position is conserved. In addition, the in silico prediction for this alteration is inconclusive. Since supporting evidence is limited at this time, the clinical significance of this alteration remains unclear.